The following is an entry in ClinVar:

NM_001040108.2(MLH3):c.3565A>G (p.Met1189Val)

Gene: MLH3 (mutL homolog 3; minus strand). Cytogenetic location: 14q24.3.
Variant type: single nucleotide variant.
Coding change: c.3565A>G on transcript NM_001040108.2 (MANE Select); coding-DNA position 3565, A replaced by G.
Protein change: p.Met1189Val; replaces methionine 1189 with valine.
Molecular consequence: missense variant.
Genome position (GRCh38, 1-based): chr14:75,039,916, T>C on the plus strand (A>G on the coding strand, the complement: MLH3 is on the minus strand). VCF-style: chr14-75039916-T-C. GRCh37 (hg19) VCF-style: chr14-75506619-T-C.
Other names: c.3565A>G, p.Met1189Val (NM_014381.3); short protein forms M1189V.
Identifiers: ClinVar variation 2448668 (VCV002448668.2), dbSNP rs557233869, ClinGen allele CA390428286.
Genomic context (GRCh38, chr14:75,039,916, plus strand): 5'-TATATATATATATATATATATATATATTTATGAGATTTTGAAGTTAATCTTTTACCTGCA[T>C]TGAATGAATCATTCCTTTGGTGAAACGATAGGGATACAAGATGTTGTGAATTTTAACTGC-3'
Protein context (NP_001035197.1, residues 1179-1199): YRFTKGMIHS[Met1189Val]QVLQQVDNKF

ClinVar aggregate classification (germline): Uncertain significance (1 of 4 stars; one submission).

Submission:

Ambry Genetics
Classification: Uncertain significance. Last evaluated: 2023-02-18. Review status: criteria provided, single submitter. Criteria: Ambry Variant Classification Scheme 2023. Collection method: clinical testing. Allele origin: germline.
Comment: The p.M1189V variant (also known as c.3565A>G), located in coding exon 4 of the MLH3 gene, results from an A to G substitution at nucleotide position 3565. The methionine at codon 1189 is replaced by valine, an amino acid with highly similar properties. This amino acid position is conserved. In addition, this alteration is predicted to be tolerated by in silico analysis. Since supporting evidence is limited at this time, the clinical significance of this alteration remains unclear.